The following is an entry in ClinVar:

ClinVar aggregate classification (germline): Uncertain significance (1 of 4 stars; one submission).

Submission:

Labcorp Genetics (formerly Invitae), Labcorp
Classification: Uncertain significance. Last evaluated: 2025-07-14. Review status: criteria provided, single submitter. Criteria: Invitae Variant Classification Sherloc (09022015). Collection method: clinical testing. Allele origin: germline.
Comment: This sequence change replaces arginine, which is basic and polar, with serine, which is neutral and polar, at codon 1235 of the GRIN2D protein (p.Arg1235Ser). The frequency data for this variant in the population databases is considered unreliable, as metrics indicate insufficient coverage at this position in the gnomAD database. This variant has not been reported in the literature in individuals affected with GRIN2D-related conditions. Invitae Evidence Modeling of protein sequence and biophysical properties (such as structural, functional, and spatial information, amino acid conservation, physicochemical variation, residue mobility, and thermodynamic stability) indicates that this missense variant is not expected to disrupt GRIN2D protein function with a negative predictive value of 95%. In summary, the available evidence is currently insufficient to determine the role of this variant in disease. Therefore, it has been classified as a Variant of Uncertain Significance.

NM_000836.4(GRIN2D):c.3703C>A (p.Arg1235Ser)

Gene: GRIN2D (glutamate ionotropic receptor NMDA type subunit 2D; plus strand). Cytogenetic location: 19q13.33.
Variant type: single nucleotide variant.
Coding change: c.3703C>A on transcript NM_000836.4 (MANE Select); coding-DNA position 3703, C replaced by A.
Protein change: p.Arg1235Ser; replaces arginine 1235 with serine.
Molecular consequence: missense variant.
Genome position (GRCh38, 1-based): chr19:48,443,629, C>A. VCF-style: chr19-48443629-C-A. GRCh37 (hg19) VCF-style: chr19-48946886-C-A.
Other names: short protein forms R1235S.
Identifiers: ClinVar variation 4811008 (VCV004811008.1).
Genomic context (GRCh38, chr19:48,443,629, plus strand): 5'-GCCGCCGGGCCCCTGCCCCGACGCCGGGCCCGCTGCGGGTGCCCGCGGTCGCACCCGCAC[C>A]GCCCGCGGGCCTCGCACCGCACGCCCGCCGCCGCCGCGCCCCACCACCACAGGCACCGGC-3'
Protein context (NP_000827.2, residues 1225-1245): RCGCPRSHPH[Arg1235Ser]PRASHRTPAA